The following is an entry in ClinVar:

ClinVar aggregate classification (germline): Uncertain significance (1 of 4 stars; one submission).

Conditions:
Hypertrophic cardiomyopathy. Also called: HYPERTROPHIC MYOCARDIOPATHY. Identifiers: Orphanet 217569, MedGen C0007194, MeSH D002312, MONDO:0005045, HP:0001639.

Submission:

Labcorp Genetics (formerly Invitae), Labcorp
Classification: Uncertain significance for Hypertrophic cardiomyopathy. Last evaluated: 2025-04-11. Review status: criteria provided, single submitter. Criteria: Invitae Variant Classification Sherloc (09022015). Collection method: clinical testing. Allele origin: germline.
Comment: This sequence change replaces tryptophan, which is neutral and slightly polar, with cysteine, which is neutral and slightly polar, at codon 80 of the JPH2 protein (p.Trp80Cys). This variant is not present in population databases (gnomAD no frequency). This variant has not been reported in the literature in individuals affected with JPH2-related conditions. An algorithm developed to predict the effect of missense changes on protein structure and function (PolyPhen-2) suggests that this variant is likely to be disruptive. Algorithms developed to predict the effect of sequence changes on RNA splicing suggest that this variant may create or strengthen a splice site. In summary, the available evidence is currently insufficient to determine the role of this variant in disease. Therefore, it has been classified as a Variant of Uncertain Significance.

NM_020433.5(JPH2):c.240G>T (p.Trp80Cys)

Gene: JPH2 (junctophilin 2; minus strand). Cytogenetic location: 20q13.12.
Variant type: single nucleotide variant.
Coding change: c.240G>T on transcript NM_020433.5 (MANE Select); coding-DNA position 240, G replaced by T.
Protein change: p.Trp80Cys; replaces tryptophan 80 with cysteine.
Molecular consequence: missense variant.
Genome position (GRCh38, 1-based): chr20:44,186,466, C>A on the plus strand (G>T on the coding strand, the complement: JPH2 is on the minus strand). VCF-style: chr20-44186466-C-A. GRCh37 (hg19) VCF-style: chr20-42815106-C-A.
Other names: c.240G>T, p.Trp80Cys (NM_175913.4); short protein forms W80C.
Identifiers: ClinVar variation 4707966 (VCV004707966.1).